The following is an entry in ClinVar:

ClinVar aggregate classification (germline): Likely pathogenic (1 of 4 stars; one submission).

Conditions:
Oocyte maturation defect 2 (OZEMA2). Also called: OOCYTE/ZYGOTE/EMBRYO MATURATION ARREST 2. Identifiers: MedGen C4225210, MONDO:0021573, OMIM 616780.

Submission:

Genetics Laboratory, Instituto de Ciencias en Reproduccion Humana
Classification: Likely pathogenic for Oocyte maturation defect 2. Last evaluated: 2019-08-19. Review status: criteria provided, single submitter. Criteria: ACMG Guidelines, 2015. Collection method: clinical testing. Allele origin: paternal. Inheritance: Sex-limited autosomal dominant. Affected: yes. Observed: 1 heterozygote.
Comment: According to ACMG-2015 guidelines, the criteria assigned are: PS1,PM2,PP3 and PP4, supporting a likely pathogenic classification.

Literature cited by the submitters: PubMed 32063091.

NM_177987.3(TUBB8):c.735G>C (p.Gln245His)

Gene: TUBB8 (tubulin beta 8 class VIII; minus strand). Cytogenetic location: 10p15.3.
Variant type: single nucleotide variant.
Coding change: c.735G>C on transcript NM_177987.3 (MANE Select); coding-DNA position 735, G replaced by C.
Protein change: p.Gln245His; replaces glutamine 245 with histidine.
Molecular consequence: missense variant.
Genome position (GRCh38, 1-based): chr10:47,657, C>G on the plus strand (G>C on the coding strand, the complement: TUBB8 is on the minus strand). VCF-style: chr10-47657-C-G. GRCh37 (hg19) VCF-style: chr10-93597-C-G.
Other names: short protein forms Q245H.
Identifiers: ClinVar variation 684762 (VCV000684762.5), dbSNP rs1588270347, ClinGen allele CA375817592.